The following is an entry in ClinVar:

ClinVar aggregate classification (germline): Uncertain significance (1 of 4 stars; one submission).

Submission:

Labcorp Genetics (formerly Invitae), Labcorp
Classification: Uncertain significance. Last evaluated: 2023-10-02. Review status: criteria provided, single submitter. Criteria: Invitae Variant Classification Sherloc (09022015). Collection method: clinical testing. Allele origin: germline.
Comment: This sequence change replaces leucine, which is neutral and non-polar, with histidine, which is basic and polar, at codon 299 of the BGN protein (p.Leu299His). This variant is not present in population databases (gnomAD no frequency). This variant has not been reported in the literature in individuals affected with BGN-related conditions. ClinVar contains an entry for this variant (Variation ID: 1958693). Advanced modeling of protein sequence and biophysical properties (such as structural, functional, and spatial information, amino acid conservation, physicochemical variation, residue mobility, and thermodynamic stability) performed at Invitae indicates that this missense variant is not expected to disrupt BGN protein function. In summary, the available evidence is currently insufficient to determine the role of this variant in disease. Therefore, it has been classified as a Variant of Uncertain Significance.

NM_001711.6(BGN):c.896T>A (p.Leu299His)

Gene: BGN (biglycan; plus strand). Cytogenetic location: Xq28.
Variant type: single nucleotide variant.
Coding change: c.896T>A on transcript NM_001711.6 (MANE Select); coding-DNA position 896, T replaced by A.
Protein change: p.Leu299His; replaces leucine 299 with histidine.
Molecular consequence: missense variant.
Genome position (GRCh38, 1-based): chrX:153,507,172, T>A. VCF-style: chrX-153507172-T-A. GRCh37 (hg19) VCF-style: chrX-152772630-T-A.
Other names: short protein forms L299H.
Identifiers: ClinVar variation 1958693 (VCV001958693.5), dbSNP rs2521221781, ClinGen allele CA415071578.